The following is an entry in ClinVar:

NM_004793.4(LONP1):c.1303A>G (p.Met435Val)

Gene: LONP1 (lon peptidase 1, mitochondrial; minus strand). Cytogenetic location: 19p13.3.
Variant type: single nucleotide variant.
Coding change: c.1303A>G on transcript NM_004793.4 (MANE Select); coding-DNA position 1303, A replaced by G.
Protein change: p.Met435Val; replaces methionine 435 with valine.
Molecular consequence: missense variant. On other transcripts: non-coding transcript variant (1).
Genome position (GRCh38, 1-based): chr19:5,705,836, T>C on the plus strand (A>G on the coding strand, the complement: LONP1 is on the minus strand). VCF-style: chr19-5705836-T-C. GRCh37 (hg19) VCF-style: chr19-5705847-T-C.
Other names: c.1111A>G, p.Met371Val (NM_001276479.2); c.715A>G, p.Met239Val (NM_001276480.1); short protein forms M239V, M371V, M435V.
Identifiers: ClinVar variation 2186349 (VCV002186349.4), dbSNP rs936754193, ClinGen allele CA304627470.

ClinVar aggregate classification (germline): Uncertain significance (1 of 4 stars; one submission).

Allele frequency attached by ClinVar (database versions not stated): gnomAD exomes below 0.00001; gnomAD 0.00001.
gnomAD v4.1: 3 of 1,614,170 alleles (0.00019%); highest among the groups gnomAD compares: Middle Eastern, 0.016%; no homozygotes.

Submission:

Labcorp Genetics (formerly Invitae), Labcorp
Classification: Uncertain significance. Last evaluated: 2025-04-02. Review status: criteria provided, single submitter. Criteria: Invitae Variant Classification Sherloc (09022015). Collection method: clinical testing. Allele origin: germline.
Comment: This sequence change replaces methionine, which is neutral and non-polar, with valine, which is neutral and non-polar, at codon 435 of the LONP1 protein (p.Met435Val). This variant is not present in population databases (gnomAD no frequency). This variant has not been reported in the literature in individuals affected with LONP1-related conditions. ClinVar contains an entry for this variant (Variation ID: 2186349). Invitae Evidence Modeling of protein sequence and biophysical properties (such as structural, functional, and spatial information, amino acid conservation, physicochemical variation, residue mobility, and thermodynamic stability) indicates that this missense variant is not expected to disrupt LONP1 protein function with a negative predictive value of 95%. In summary, the available evidence is currently insufficient to determine the role of this variant in disease. Therefore, it has been classified as a Variant of Uncertain Significance.